The following is an entry in ClinVar:

NM_001848.3(COL6A1):c.794C>T (p.Pro265Leu)

Gene: COL6A1 (collagen type VI alpha 1 chain; plus strand). Cytogenetic location: 21q22.3.
Variant type: single nucleotide variant.
Coding change: c.794C>T on transcript NM_001848.3 (MANE Select); coding-DNA position 794, C replaced by T.
Protein change: p.Pro265Leu; replaces proline 265 with leucine.
Molecular consequence: missense variant.
Genome position (GRCh38, 1-based): chr21:45,987,644, C>T. VCF-style: chr21-45987644-C-T. GRCh37 (hg19) VCF-style: chr21-47407558-C-T.
Other names: short protein forms P265L.
Identifiers: ClinVar variation 340309 (VCV000340309.20), dbSNP rs757230924, ClinGen allele CA10069754.

ClinVar aggregate classification (germline): Conflicting classifications of pathogenicity. Review status: criteria provided, conflicting classifications (1 of 4 stars). 6 submissions from 6 submitters: Uncertain significance (4); Benign (1); Likely benign (1). Last evaluated 2025-09-10.

Conditions:
Collagen 6-related myopathy. Identifiers: MedGen CN117976, MONDO:0100225.
Inborn genetic diseases. Identifiers: MedGen C0950123, MeSH D030342.
Bethlem myopathy 1A. Also called: MYOPATHY, BENIGN CONGENITAL, WITH CONTRACTURES; Bethlem myopathy 1; Bethlem Muscular Dystrophy. Identifiers: Orphanet 610, MedGen CN029274, MONDO:0024530, OMIM 158810.

Allele frequency attached by ClinVar (database versions not stated): gnomAD 0.00002; gnomAD exomes 0.00004 and 0.00011; TOPMed 0.00007; ExAC 0.00016.
gnomAD v4.1: 28 of 1,610,144 alleles (0.0017%); highest among the groups gnomAD compares: Admixed American, 0.047%; no homozygotes.

Submissions (6):

Ambry Genetics
Classification: Uncertain significance for Inborn genetic diseases. Last evaluated: 2025-09-10. Review status: criteria provided, single submitter. Criteria: Ambry Variant Classification Scheme 2023. Collection method: clinical testing. Allele origin: germline.

GeneDx
Classification: Uncertain significance. Last evaluated: 2025-01-22. Review status: criteria provided, single submitter. Criteria: GeneDx Variant Classification Process June 2021. Collection method: clinical testing. Allele origin: germline. Affected: yes.
Comment: In silico analysis supports that this missense variant has a deleterious effect on protein structure/function; Has not been previously published as pathogenic or benign to our knowledge

Revvity Omics, Revvity
Classification: Uncertain significance. Last evaluated: 2024-03-14. Review status: criteria provided, single submitter. Criteria: ACMG Guidelines, 2015. Collection method: clinical testing. Allele origin: germline.

Labcorp Genetics (formerly Invitae), Labcorp
Classification: Likely benign for Bethlem myopathy 1A. Last evaluated: 2023-10-11. Review status: criteria provided, single submitter. Criteria: Invitae Variant Classification Sherloc (09022015). Collection method: clinical testing. Allele origin: germline.

Illumina Laboratory Services, Illumina
Classification: Benign for Collagen VI-related myopathy. Last evaluated: 2018-01-13. Review status: criteria provided, single submitter. Criteria: ICSL Variant Classification Criteria 13 December 2019. Collection method: clinical testing. Allele origin: germline.
Comment: This variant was observed in the ICSL laboratory as part of a predisposition screen in an ostensibly healthy population. It had not been previously curated by ICSL or reported in the Human Gene Mutation Database (HGMD: prior to June 1st, 2018), and was therefore a candidate for classification through an automated scoring system. Utilizing variant allele frequency, disease prevalence and penetrance estimates, and inheritance mode, an automated score was calculated to assess if this variant is too frequent to cause the disease. Based on the score and internal cut-off values, a variant classified as benign is not then subjected to further curation. The score for this variant resulted in a classification of benign for this disease.

Eurofins Ntd Llc (ga)
Classification: Uncertain significance. Last evaluated: 2017-06-16. Review status: criteria provided, single submitter. Criteria: EGL Classification Definitions 2015. Collection method: clinical testing. Allele origin: germline. Observed: 1 variant allele, 1 heterozygote.